The following is an entry in ClinVar:

NM_004360.5(CDH1):c.2157T>C (p.Ala719=)

Gene: CDH1 (cadherin 1; plus strand). Cytogenetic location: 16q22.1.
Variant type: single nucleotide variant.
Coding change: c.2157T>C on transcript NM_004360.5 (MANE Select); coding-DNA position 2157, T replaced by C.
Protein change: p.Ala719=; no amino-acid change (alanine 719 retained).
Molecular consequence: synonymous variant.
Genome position (GRCh38, 1-based): chr16:68,823,619, T>C. VCF-style: chr16-68823619-T-C. GRCh37 (hg19) VCF-style: chr16-68857522-T-C.
Other names: c.1974T>C, p.Ala658= (NM_001317184.2); c.609T>C, p.Ala203= (NM_001317185.2); c.192T>C, p.Ala64= (NM_001317186.2).
Identifiers: ClinVar variation 1535462 (VCV001535462.9), dbSNP rs762224244, ClinGen allele CA496392496.

ClinVar aggregate classification (germline): Benign/Likely benign. Review status: criteria provided, multiple submitters, no conflicts (2 of 4 stars). 2 submissions from 2 submitters: Benign (1); Likely benign (1). Last evaluated 2024-09-20.

Conditions:
Hereditary diffuse gastric adenocarcinoma (HDGC). Also called: DIFFUSE GASTRIC AND LOBULAR BREAST CANCER SYNDROME. Identifiers: Orphanet 26106, MedGen C1708349, MONDO:0007648, OMIM 137215.

Submissions (2):

Myriad Genetics, Inc.
Classification: Benign for Hereditary diffuse gastric adenocarcinoma. Last evaluated: 2024-09-20. Review status: criteria provided, single submitter. Criteria: Myriad Autosomal Dominant, Autosomal Recessive and X-Linked Classification Criteria (2023). Collection method: clinical testing. Allele origin: unknown.
Comment: This variant is considered benign. This variant is a silent/synonymous amino acid change and it is not expected to impact splicing.

Labcorp Genetics (formerly Invitae), Labcorp
Classification: Likely benign for Hereditary diffuse gastric adenocarcinoma. Last evaluated: 2024-02-17. Review status: criteria provided, single submitter. Criteria: Invitae Variant Classification Sherloc (09022015). Collection method: clinical testing. Allele origin: germline.